The following is an entry in ClinVar:

NM_032487.5(ACTRT3):c.110G>T (p.Arg37Leu)

Genes: ACTRT3 (actin related protein T3; minus strand), LOC129937872 (ATAC-STARR-seq lymphoblastoid active region 20783; plus strand). Cytogenetic location: 3q26.2.
Variant type: single nucleotide variant.
Coding change: c.110G>T on transcript NM_032487.5 (MANE Select); coding-DNA position 110, G replaced by T.
Protein change: p.Arg37Leu; replaces arginine 37 with leucine.
Molecular consequence: missense variant.
Genome position (GRCh38, 1-based): chr3:169,769,411, C>A on the plus strand (G>T on the coding strand, the complement: ACTRT3 is on the minus strand). VCF-style: chr3-169769411-C-A. GRCh37 (hg19) VCF-style: chr3-169487199-C-A.
Other names: short protein forms R37L.
Identifiers: ClinVar variation 2654270 (VCV002654270.24), dbSNP rs373544656, ClinGen allele CA2697058.

ClinVar aggregate classification (germline): Likely benign (1 of 4 stars; one submission).

Allele frequency attached by ClinVar (database versions not stated): TOPMed 0.00003; ESP Exome Variant Server 0.00008; gnomAD 0.00009; ExAC 0.00054; 1000 Genomes Project 0.00100; 1000 Genomes Project 30x 0.00125.

Submission:

CeGaT Center for Human Genetics Tuebingen
Classification: Likely benign. Last evaluated: 2023-03-01. Review status: criteria provided, single submitter. Criteria: CeGaT Center For Human Genetics Tuebingen Variant Classification Criteria Version 2. Collection method: clinical testing. Allele origin: germline. Affected: yes. Observed: 1 variant allele.
Comment: ACTRT3: BS2